The following is an entry in ClinVar:

ClinVar aggregate classification (germline): Uncertain significance. Review status: criteria provided, multiple submitters, no conflicts (2 of 4 stars). 2 submissions from 2 submitters: Uncertain significance (2). Last evaluated 2025-09-11.

Conditions:
Inborn genetic diseases. Identifiers: MedGen C0950123, MeSH D030342.
Mendelian susceptibility to mycobacterial diseases due to complete IL12RB1 deficiency. Also called: IL12RB1 DEFICIENCY; Immunodeficiency 30. Identifiers: Orphanet 319552, MedGen C4013949, MONDO:0013955, OMIM 614891.

Allele frequency attached by ClinVar (database versions not stated): ExAC 0.00003; gnomAD 0.00003; TOPMed 0.00003.
gnomAD v4.1: 53 of 1,605,464 alleles (0.0033%); highest among the groups gnomAD compares: Non-Finnish European, 0.004%; no homozygotes.

Submissions (2):

Ambry Genetics
Classification: Uncertain significance for Inborn genetic diseases. Last evaluated: 2025-09-11. Review status: criteria provided, single submitter. Criteria: Ambry Variant Classification Scheme 2023. Collection method: clinical testing. Allele origin: germline.

Labcorp Genetics (formerly Invitae), Labcorp
Classification: Uncertain significance for Mendelian susceptibility to mycobacterial diseases due to complete IL12RB1 deficiency. Last evaluated: 2022-01-02. Review status: criteria provided, single submitter. Criteria: Invitae Variant Classification Sherloc (09022015). Collection method: clinical testing. Allele origin: germline.
Comment: This sequence change replaces valine, which is neutral and non-polar, with leucine, which is neutral and non-polar, at codon 541 of the IL12RB1 protein (p.Val541Leu). This variant is present in population databases (rs776936363, gnomAD 0.005%). This variant has not been reported in the literature in individuals affected with IL12RB1-related conditions. Algorithms developed to predict the effect of missense changes on protein structure and function (SIFT, PolyPhen-2, Align-GVGD) all suggest that this variant is likely to be tolerated. In summary, the available evidence is currently insufficient to determine the role of this variant in disease. Therefore, it has been classified as a Variant of Uncertain Significance.

NM_005535.3(IL12RB1):c.1621G>C (p.Val541Leu)

Gene: IL12RB1 (interleukin 12 receptor subunit beta 1; minus strand). Cytogenetic location: 19p13.11.
Variant type: single nucleotide variant.
Coding change: c.1621G>C on transcript NM_005535.3 (MANE Select); coding-DNA position 1621, G replaced by C.
Protein change: p.Val541Leu; replaces valine 541 with leucine.
Molecular consequence: missense variant.
Genome position (GRCh38, 1-based): chr19:18,062,275, C>G on the plus strand (G>C on the coding strand, the complement: IL12RB1 is on the minus strand). VCF-style: chr19-18062275-C-G. GRCh37 (hg19) VCF-style: chr19-18173085-C-G.
Other names: c.1621G>C, p.Val541Leu (NM_001290023.2); c.1741G>C, p.Val581Leu (NM_001290024.2); short protein forms V541L, V581L.
Identifiers: ClinVar variation 2073127 (VCV002073127.2), dbSNP rs776936363, ClinGen allele CA9304753.